The following is an entry in ClinVar:

ClinVar aggregate classification (germline): Uncertain significance (1 of 4 stars; one submission).

Submission:

Labcorp Genetics (formerly Invitae), Labcorp
Classification: Uncertain significance. Last evaluated: 2022-05-16. Review status: criteria provided, single submitter. Criteria: Invitae Variant Classification Sherloc (09022015). Collection method: clinical testing. Allele origin: germline.
Comment: In summary, the available evidence is currently insufficient to determine the role of this variant in disease. Therefore, it has been classified as a Variant of Uncertain Significance. Algorithms developed to predict the effect of missense changes on protein structure and function are either unavailable or do not agree on the potential impact of this missense change (SIFT: "Deleterious"; PolyPhen-2: "Not Available"; Align-GVGD: "Class C0"). This variant has not been reported in the literature in individuals affected with CLTC-related conditions. This sequence change replaces isoleucine, which is neutral and non-polar, with methionine, which is neutral and non-polar, at codon 1178 of the CLTC protein (p.Ile1178Met). This variant is not present in population databases (gnomAD no frequency).

NM_004859.4(CLTC):c.3522A>G (p.Ile1174Met)

Gene: CLTC (clathrin heavy chain; plus strand). Cytogenetic location: 17q23.1.
Variant type: single nucleotide variant.
Coding change: c.3522A>G on transcript NM_004859.4 (MANE Select); coding-DNA position 3522, A replaced by G.
Protein change: p.Ile1174Met; replaces isoleucine 1174 with methionine.
Molecular consequence: missense variant.
Genome position (GRCh38, 1-based): chr17:59,682,350, A>G. VCF-style: chr17-59682350-A-G. GRCh37 (hg19) VCF-style: chr17-57759711-A-G.
Other names: c.3534A>G, p.Ile1178Met (NM_001288653.2); short protein forms I1174M, I1178M.
Identifiers: ClinVar variation 1995252 (VCV001995252.4), dbSNP rs2509152743, ClinGen allele CA400418002.